The following is an entry in ClinVar:

NM_000278.5(PAX2):c.-62del

Gene: PAX2 (paired box 2; plus strand). Cytogenetic location: 10q24.31.
Variant type: Deletion.
Coding change: c.-62del on transcript NM_000278.5 (MANE Select); 62 bases upstream of the start codon, one base deleted (A; older notation c.-62delA).
Molecular consequence: 5 prime UTR variant. On other transcripts: frameshift variant (2).
Genome position (GRCh38, 1-based): chr10:100,746,199, A deleted; the last of 2 consecutive A bases (chr10:100,746,198-100,746,199); deleting either gives the same sequence. VCF-style (leftmost placement, unchanged base first): chr10-100746197-GA-G. GRCh37 (hg19) VCF-style: chr10-102505954-GA-G.
Other names: c.32del, p.Lys11fs (NM_001304569.2, NM_001374303.1); c.-62del (NM_003987.5, NM_003988.5, NM_003989.5 and 1 more transcripts); short protein forms K11fs.
Identifiers: ClinVar variation 4998982 (VCV004998982.1).

ClinVar aggregate classification (germline): Uncertain significance (1 of 4 stars; one submission).

Conditions:
PAX2-Related Disorder. Also called: PAX2-related disorders. Identifiers: MedGen CN381309.

Submission:

PreventionGenetics, part of Exact Sciences
Classification: Uncertain significance for PAX2-related condition. Last evaluated: 2025-04-17. Review status: criteria provided, single submitter. Criteria: ACMG Guidelines, 2015. Collection method: clinical testing. Allele origin: germline.
Comment: The PAX2 c.32delA variant is predicted to result in a frameshift and premature protein termination (p.Lys11Serfs*2). To our knowledge, this variant has not been reported in the literature or in a large population database (gnomAD), indicating this variant is rare. Of note, this change is also known as a pre-coding variant c.-62delA in other transcripts including the MANE Select transcript NM_000278.5 (gnomAD v4.1.0). At this time, the clinical significance of this variant is uncertain due to the absence of conclusive functional and genetic evidence.